The following is an entry in ClinVar:

NM_014365.3(HSPB8):c.-193T>C

Gene: HSPB8 (heat shock protein family B (small) member 8; plus strand). Cytogenetic location: 12q24.23.
Variant type: single nucleotide variant.
Coding change: c.-193T>C on transcript NM_014365.3 (MANE Select); 193 bases upstream of the start codon, T replaced by C.
Molecular consequence: 5 prime UTR variant.
Genome position (GRCh38, 1-based): chr12:119,179,120, T>C. VCF-style: chr12-119179120-T-C. GRCh37 (hg19) VCF-style: chr12-119616925-T-C.
Identifiers: ClinVar variation 307414 (VCV000307414.7), dbSNP rs11549401, ClinGen allele CA10641143.
Genomic context (GRCh38, chr12:119,179,120, plus strand): 5'-GTGAGGCAGTGCGGACGGGGACCCTCTGGGATTCTGCTGGATCTGCCCCGGGGGTTACCT[T>C]TGGGGGCTGGGACCCCAGTCGAGGGGACACAACCGTCCCTGGCAGTGGTTGGTTCTGCTT-3'

ClinVar aggregate classification (germline): Benign. Review status: criteria provided, multiple submitters, no conflicts (2 of 4 stars). 4 submissions from 3 submitters: Benign (4). Last evaluated 2018-06-16.

Conditions:
Charcot-Marie-Tooth disease axonal type 2L. Also called: Charcot-Marie-Tooth Neuropathy Type 2L; CHARCOT-MARIE-TOOTH DISEASE, AXONAL, AUTOSOMAL DOMINANT, TYPE 2L; CHARCOT-MARIE-TOOTH NEUROPATHY, AXONAL, TYPE 2L. Identifiers: Orphanet 99945, MedGen C1837552, MONDO:0012096, OMIM 608673.
Neuronopathy, distal hereditary motor, type 2A. Also called: CHARCOT-MARIE-TOOTH DISEASE, SPINAL, IIA; NEURONOPATHY, DISTAL HEREDITARY MOTOR, AUTOSOMAL DOMINANT 2; NEURONOPATHY, DISTAL HEREDITARY MOTOR, HARDING TYPE IIA; NEUROPATHY, DISTAL HEREDITARY MOTOR, HARDING TYPE IIA; SPINAL MUSCULAR ATROPHY, DISTAL, ADULT, AUTOSOMAL DOMINANT, HARDING TYPE IIA; HMN IIA. Identifiers: Orphanet 139525, MedGen C1834692, MONDO:0008025, OMIM 158590.

Allele frequency attached by ClinVar (database versions not stated): gnomAD exomes 0.00307; gnomAD 0.02476 and 0.02683; 1000 Genomes Project 0.02516; 1000 Genomes Project 30x 0.02717; TOPMed 0.02749.
gnomAD v4.1: 5,388 of 665,660 alleles (0.81%); highest among the groups gnomAD compares: African/African-American, 8.5%; 219 homozygotes.

Submissions (4):

GeneDx
Classification: Benign. Last evaluated: 2018-06-16. Review status: criteria provided, single submitter. Criteria: GeneDx Variant Classification (06012015). Collection method: clinical testing. Allele origin: germline. Affected: yes.
Comment: This variant is considered likely benign or benign based on one or more of the following criteria: it is a conservative change, it occurs at a poorly conserved position in the protein, it is predicted to be benign by multiple in silico algorithms, and/or has population frequency not consistent with disease.

Illumina Laboratory Services, Illumina
Classification: Benign for Neuronopathy, distal hereditary motor, type 2A. Last evaluated: 2018-01-13. Review status: criteria provided, single submitter. Criteria: ICSL Variant Classification Criteria 13 December 2019. Collection method: clinical testing. Allele origin: germline.
Comment: This variant was observed in the ICSL laboratory as part of a predisposition screen in an ostensibly healthy population. It had not been previously curated by ICSL or reported in the Human Gene Mutation Database (HGMD: prior to June 1st, 2018), and was therefore a candidate for classification through an automated scoring system. Utilizing variant allele frequency, disease prevalence and penetrance estimates, and inheritance mode, an automated score was calculated to assess if this variant is too frequent to cause the disease. Based on the score and internal cut-off values, a variant classified as benign is not then subjected to further curation. The score for this variant resulted in a classification of benign for this disease.

Illumina Laboratory Services, Illumina
Classification: Benign for Charcot-Marie-Tooth disease axonal type 2L. Last evaluated: 2018-01-13. Review status: criteria provided, single submitter. Criteria: ICSL Variant Classification Criteria 13 December 2019. Collection method: clinical testing. Allele origin: germline.
Comment: the same text as in the submission from Illumina Laboratory Services, Illumina above.

Breakthrough Genomics
Classification: Benign. Review status: criteria provided, single submitter. Criteria: ACMG Guidelines, 2015. Collection method: not provided. Allele origin: germline. Inheritance: Autosomal dominant inheritance. Affected: yes.